The following is an entry in ClinVar:

NM_000548.5(TSC2):c.4154C>G (p.Ser1385Cys)

Gene: TSC2 (TSC complex subunit 2; plus strand). Cytogenetic location: 16p13.3.
Variant type: single nucleotide variant.
Coding change: c.4154C>G on transcript NM_000548.5 (MANE Select); coding-DNA position 4154, C replaced by G.
Protein change: p.Ser1385Cys; replaces serine 1385 with cysteine.
Molecular consequence: missense variant.
Genome position (GRCh38, 1-based): chr16:2,084,376, C>G. VCF-style: chr16-2084376-C-G. GRCh37 (hg19) VCF-style: chr16-2134377-C-G.
Other names: c.4085C>G, p.Ser1362Cys (NM_001114382.3); c.3845C>G, p.Ser1282Cys (NM_001318827.2); c.3809C>G, p.Ser1270Cys (NM_001318829.2); c.3422C>G, p.Ser1141Cys (NM_001318831.2); c.3986C>G, p.Ser1329Cys (NM_001318832.2); c.3956C>G, p.Ser1319Cys (NM_001363528.2); c.4022C>G, p.Ser1341Cys (NM_001370404.1); c.4025C>G, p.Ser1342Cys (NM_001370405.1, NM_021055.3); and 26 more; short protein forms S1161C, S1270C, S1281C, S1325C, S1348C, S1349C, S1384C, S784C.
Identifiers: ClinVar variation 1738285 (VCV001738285.2), dbSNP rs762859177, ClinGen allele CA394299690.

ClinVar aggregate classification (germline): Uncertain significance (1 of 4 stars; one submission).

Conditions:
Hereditary cancer-predisposing syndrome. Also called: Neoplastic Syndromes, Hereditary; Tumor predisposition; Hereditary Cancer Syndrome; Hereditary neoplastic syndrome. Identifiers: Orphanet 140162, MedGen C0027672, MeSH D009386, MONDO:0015356.

Submission:

Ambry Genetics
Classification: Uncertain significance for Hereditary cancer-predisposing syndrome. Last evaluated: 2022-09-25. Review status: criteria provided, single submitter. Criteria: Ambry Variant Classification Scheme 2023. Collection method: clinical testing. Allele origin: germline.
Comment: The p.S1385C variant (also known as c.4154C>G), located in coding exon 33 of the TSC2 gene, results from a C to G substitution at nucleotide position 4154. The serine at codon 1385 is replaced by cysteine, an amino acid with dissimilar properties. This amino acid position is conserved. In addition, this alteration is predicted to be deleterious by in silico analysis. Since supporting evidence is limited at this time, the clinical significance of this alteration remains unclear.